The following is an entry in ClinVar:

NM_001040108.2(MLH3):c.557C>G (p.Ser186Cys)

Gene: MLH3 (mutL homolog 3; minus strand). Cytogenetic location: 14q24.3.
Variant type: single nucleotide variant.
Coding change: c.557C>G on transcript NM_001040108.2 (MANE Select); coding-DNA position 557, C replaced by G.
Protein change: p.Ser186Cys; replaces serine 186 with cysteine.
Molecular consequence: missense variant.
Genome position (GRCh38, 1-based): chr14:75,049,099, G>C on the plus strand (C>G on the coding strand, the complement: MLH3 is on the minus strand). VCF-style: chr14-75049099-G-C. GRCh37 (hg19) VCF-style: chr14-75515802-G-C.
Other names: c.557C>G, p.Ser186Cys (NM_014381.3); short protein forms S186C.
Identifiers: ClinVar variation 4055517 (VCV004055517.1).

ClinVar aggregate classification (germline): Uncertain significance (1 of 4 stars; one submission).

Submission:

Ambry Genetics
Classification: Uncertain significance. Last evaluated: 2025-05-31. Review status: criteria provided, single submitter. Criteria: Ambry Variant Classification Scheme 2023. Collection method: clinical testing. Allele origin: germline.
Comment: The p.S186C variant (also known as c.557C>G), located in coding exon 1 of the MLH3 gene, results from a C to G substitution at nucleotide position 557. The serine at codon 186 is replaced by cysteine, an amino acid with dissimilar properties. This amino acid position is conserved. In addition, this alteration is predicted to be deleterious by in silico analysis. Based on the available evidence, the clinical significance of this variant remains unclear.